The following is an entry in ClinVar:

ClinVar aggregate classification (germline): Uncertain significance. Review status: criteria provided, multiple submitters, no conflicts (2 of 4 stars). 4 submissions from 4 submitters: Uncertain significance (4). Last evaluated 2025-05-15.

Conditions:
Hereditary cancer-predisposing syndrome. Also called: Hereditary Cancer Syndrome; Tumor predisposition; Neoplastic Syndromes, Hereditary; Hereditary neoplastic syndrome. Identifiers: Orphanet 140162, MedGen C0027672, MeSH D009386, MONDO:0015356.
Ataxia-telangiectasia syndrome (AT). Also called: ATAXIA-TELANGIECTASIA, COMPLEMENTATION GROUP A; ATAXIA-TELANGIECTASIA, FRESNO VARIANT; Ataxia-telangiectasia; Ataxia-telangiectasia, complementation group E; Cerebello-oculocutaneous telangiectasia; Immunodeficiency with ataxia telangiectasia. Identifiers: Orphanet 100, MedGen C0004135, MONDO:0008840, OMIM 208900.

gnomAD v4.1: 9 of 1,613,574 alleles (0.00056%); highest among the groups gnomAD compares: Non-Finnish European, 0.00076%; no homozygotes.

Submissions (4):

Ambry Genetics
Classification: Uncertain significance for Hereditary cancer-predisposing syndrome. Last evaluated: 2025-05-15. Review status: criteria provided, single submitter. Criteria: Ambry Variant Classification Scheme 2023. Collection method: clinical testing. Allele origin: germline.
Comment: The p.S2859C variant (also known as c.8576C>G), located in coding exon 57 of the ATM gene, results from a C to G substitution at nucleotide position 8576. The serine at codon 2859 is replaced by cysteine, an amino acid with dissimilar properties. This amino acid position is highly conserved in available vertebrate species. In addition, this alteration is predicted to be deleterious by in silico analysis. Based on the available evidence, the clinical significance of this variant remains unclear.

Labcorp Genetics (formerly Invitae), Labcorp
Classification: Uncertain significance for Ataxia-telangiectasia syndrome. Last evaluated: 2024-12-22. Review status: criteria provided, single submitter. Criteria: Invitae Variant Classification Sherloc (09022015). Collection method: clinical testing. Allele origin: germline.
Comment: This sequence change replaces serine, which is neutral and polar, with cysteine, which is neutral and slightly polar, at codon 2859 of the ATM protein (p.Ser2859Cys). This variant is not present in population databases (gnomAD no frequency). This variant has not been reported in the literature in individuals affected with ATM-related conditions. ClinVar contains an entry for this variant (Variation ID: 187196). Invitae Evidence Modeling of protein sequence and biophysical properties (such as structural, functional, and spatial information, amino acid conservation, physicochemical variation, residue mobility, and thermodynamic stability) indicates that this missense variant is expected to disrupt ATM protein function with a positive predictive value of 95%. In summary, the available evidence is currently insufficient to determine the role of this variant in disease. Therefore, it has been classified as a Variant of Uncertain Significance.

GeneDx
Classification: Uncertain significance. Last evaluated: 2024-01-08. Review status: criteria provided, single submitter. Criteria: GeneDx Variant Classification Process June 2021. Collection method: clinical testing. Allele origin: germline. Affected: yes.
Comment: Not observed at significant frequency in large population cohorts (gnomAD); In silico analysis supports that this missense variant has a deleterious effect on protein structure/function; Has not been previously published as pathogenic or benign to our knowledge; This variant is associated with the following publications: (PMID: 15279808, 23532176)

Color Diagnostics, LLC DBA Color Health
Classification: Uncertain significance for Hereditary cancer-predisposing syndrome. Last evaluated: 2019-11-12. Review status: criteria provided, single submitter. Criteria: ACMG Guidelines, 2015. Collection method: clinical testing. Allele origin: germline.
Comment: This missense variant replaces serine with cysteine at codon 2859 of the ATM protein. Computational prediction suggests that this variant may have deleterious impact on protein structure and function (internally defined REVEL score threshold >= 0.7, PMID: 27666373). Splice site prediction tools suggest that this variant may not impact RNA splicing. To our knowledge, functional studies have not been performed for this variant. This variant has not been reported in individuals affected with hereditary cancer in the literature. This variant has not been identified in the general population by the Genome Aggregation Database (gnomAD). The available evidence is insufficient to determine the role of this variant in disease conclusively. Therefore, this variant is classified as a Variant of Uncertain Significance.

NM_000051.4(ATM):c.8576C>G (p.Ser2859Cys)

Genes: ATM (ATM serine/threonine kinase; plus strand), C11orf65 (chromosome 11 open reading frame 65; minus strand). Cytogenetic location: 11q22.3.
Variant type: single nucleotide variant.
Coding change: c.8576C>G on transcript NM_000051.4 (MANE Select); coding-DNA position 8576, C replaced by G.
Protein change: p.Ser2859Cys; replaces serine 2859 with cysteine.
Molecular consequence: missense variant. On other transcripts: intron variant (2).
Genome position (GRCh38, 1-based): chr11:108,345,900, C>G. VCF-style: chr11-108345900-C-G. GRCh37 (hg19) VCF-style: chr11-108216627-C-G.
Other names: c.8576C>G, p.Ser2859Cys (NM_001351834.2); c.641-36829G>C (NM_001330368.2); c.695-10608G>C (NM_001351110.2); short protein forms S2859C.
Identifiers: ClinVar variation 187196 (VCV000187196.20), dbSNP rs786203542, ClinGen allele CA196980.